The following is an entry in ClinVar:

ClinVar aggregate classification (germline): Uncertain significance (1 of 4 stars; one submission).

gnomAD v4.1: 51 of 1,614,074 alleles (0.0032%); highest among the groups gnomAD compares: Non-Finnish European, 0.0041%; no homozygotes.

Submission:

Labcorp Genetics (formerly Invitae), Labcorp
Classification: Uncertain significance. Last evaluated: 2025-04-14. Review status: criteria provided, single submitter. Criteria: Invitae Variant Classification Sherloc (09022015). Collection method: clinical testing. Allele origin: germline.
Comment: This sequence change replaces threonine, which is neutral and polar, with isoleucine, which is neutral and non-polar, at codon 729 of the MYH7B protein (p.Thr729Ile). This variant is present in population databases (no rsID available, gnomAD 0.003%). This variant has not been reported in the literature in individuals affected with MYH7B-related conditions. Invitae Evidence Modeling of protein sequence and biophysical properties (such as structural, functional, and spatial information, amino acid conservation, physicochemical variation, residue mobility, and thermodynamic stability) indicates that this missense variant is not expected to disrupt MYH7B protein function with a negative predictive value of 80%. In summary, the available evidence is currently insufficient to determine the role of this variant in disease. Therefore, it has been classified as a Variant of Uncertain Significance.

NM_020884.7(MYH7B):c.2060C>T (p.Thr687Ile)

Gene: MYH7B (myosin heavy chain 7B; plus strand). Cytogenetic location: 20q11.22.
Variant type: single nucleotide variant.
Coding change: c.2060C>T on transcript NM_020884.7 (MANE Select); coding-DNA position 2060, C replaced by T.
Protein change: p.Thr687Ile; replaces threonine 687 with isoleucine.
Molecular consequence: missense variant.
Genome position (GRCh38, 1-based): chr20:34,990,820, C>T. VCF-style: chr20-34990820-C-T. GRCh37 (hg19) VCF-style: chr20-33578623-C-T.
Other names: short protein forms T687I.
Identifiers: ClinVar variation 4749923 (VCV004749923.1).